The following is an entry in ClinVar:

ClinVar aggregate classification (germline): Pathogenic. Review status: criteria provided, multiple submitters, no conflicts (2 of 4 stars). 2 submissions from 2 submitters: Pathogenic (2). Last evaluated 2025-08-05.

Conditions:
Long QT syndrome (LQTS). Identifiers: MedGen C0023976, MeSH D008133, MONDO:0002442. Disease mechanism: loss of function. Inheritance: Various modes of inheritance.

Submissions (2):

Labcorp Genetics (formerly Invitae), Labcorp
Classification: Pathogenic for Long QT syndrome. Last evaluated: 2025-08-05. Review status: criteria provided, single submitter. Criteria: Invitae Variant Classification Sherloc (09022015). Collection method: clinical testing. Allele origin: germline.
Comment: This sequence change creates a premature translational stop signal (p.Arg1033Profs*23) in the KCNH2 gene. It is expected to result in an absent or disrupted protein product. Loss-of-function variants in KCNH2 are known to be pathogenic (PMID: 10973849, 19862833). This variant is not present in population databases (gnomAD no frequency). This premature translational stop signal has been observed in individual(s) with long QT syndrome (PMID: 27920829). ClinVar contains an entry for this variant (Variation ID: 1454593). For these reasons, this variant has been classified as Pathogenic.

Women's Health and Genetics/Laboratory Corporation of America, LabCorp
Classification: Pathogenic for Long QT syndrome. Last evaluated: 2024-08-12. Review status: criteria provided, single submitter. Criteria: LabCorp Variant Classification Summary - May 2015. Collection method: clinical testing. Allele origin: germline.
Comment: Variant summary: KCNH2 c.3096_3099delGCGG (p.Arg1033ProfsX23) results in a premature termination codon, predicted to cause a truncation of the encoded protein or absence of the protein due to nonsense mediated decay, which are commonly known mechanisms for disease. The variant was absent in 145380 control chromosomes. c.3096_3099delGCGG has been reported in the literature in at least one individual affected with Long QT Syndrome (e.g. Burns_2016). To our knowledge, no experimental evidence demonstrating an impact on protein function has been reported. The following publication has been ascertained in the context of this evaluation (PMID: 27920829). ClinVar contains an entry for this variant (Variation ID: 1454593). Based on the evidence outlined above, the variant was classified as pathogenic.

Literature cited by the submitters: PubMed 10973849 (cited by Labcorp Genetics (formerly Invitae), Labcorp); PubMed 19862833 (cited by Labcorp Genetics (formerly Invitae), Labcorp); PubMed 27920829 (cited by Labcorp Genetics (formerly Invitae), Labcorp and Women's Health and Genetics/Laboratory Corporation of America, LabCorp).

NM_000238.4(KCNH2):c.3096_3099del (p.Arg1033fs)

Gene: KCNH2 (potassium voltage-gated channel subfamily H member 2; minus strand). Cytogenetic location: 7q36.1.
Variant type: Deletion.
Coding change: c.3096_3099del on transcript NM_000238.4 (MANE Select); coding-DNA positions 3096 to 3099, 4 bases deleted (GCGG; older notation c.3096_3099delGCGG).
Protein change: p.Arg1033fs; shifts the reading frame from arginine 1033.
Molecular consequence: frameshift variant.
Genome position (GRCh38, 1-based): chr7:150,947,381-150,947,384, CCGC deleted on the plus strand (GCGG on the coding strand, the reverse complement: KCNH2 is on the minus strand); deleting any 4 consecutive bases within chr7:150,947,381-150,947,385 gives the same sequence; the c. name uses the placement nearest the transcript's 3' end. VCF-style (leftmost placement, unchanged base first): chr7-150947380-GCCGC-G. GRCh37 (hg19) VCF-style: chr7-150644468-GCCGC-G.
Other names: c.2076_2079del, p.Arg693fs (NM_172057.3); c.3096_3099delGCGG (NM_000238.4); short protein forms R1033fs, R693fs.
Identifiers: ClinVar variation 1454593 (VCV001454593.9), dbSNP rs794728467, ClinGen allele CA2573141845.